The following is an entry in ClinVar:

ClinVar aggregate classification (germline): Pathogenic. Review status: criteria provided, multiple submitters, no conflicts (2 of 4 stars). 12 submissions from 12 submitters: Pathogenic (10). 2 of the submissions do not count toward it. Last evaluated 2026-01-28.

Conditions:
DGAT1-related disorder. Also called: DGAT1-related condition.
Inborn genetic diseases. Identifiers: MedGen C0950123, MeSH D030342.
Congenital diarrhea 7 with exudative enteropathy. Also called: Diarrhea 7. Identifiers: Orphanet 329242, MedGen C4014516, MONDO:0014375, OMIM 615863.

Allele frequency attached by ClinVar (database versions not stated): ExAC 0.00011; gnomAD 0.00013 and 0.00014; gnomAD exomes 0.00013; TOPMed 0.00015; ESP Exome Variant Server 0.00038.
gnomAD v4.1: 162 of 1,527,846 alleles (0.011%); highest among the groups gnomAD compares: Admixed American, 0.011%; no homozygotes.

Submissions (14):

Labcorp Genetics (formerly Invitae), Labcorp
Classification: Pathogenic. Last evaluated: 2026-01-28. Review status: criteria provided, single submitter. Criteria: Invitae Variant Classification Sherloc (09022015). Collection method: clinical testing. Allele origin: germline.
Comment: This sequence change affects a donor splice site in intron 8 of the DGAT1 gene. RNA analysis indicates that disruption of this splice site induces altered splicing and likely results in a shortened protein product. This variant is present in population databases (rs148665132, gnomAD 0.5%). Disruption of this splice site has been observed in individual(s) with congenital chronic diarrhea (PMID: 23114594, 26883093). It has also been observed to segregate with disease in related individuals. This variant is also known as g.13827T>C and g.145541756A>G. ClinVar contains an entry for this variant (Variation ID: 139512). Algorithms developed to predict the effect of variants on gene product structure and function are not available or were not evaluated for this variant. Experimental studies have shown that disruption of this splice site affects DGAT1 function (PMID: 23114594). Studies have shown that disruption of this splice site results in skipping of exon 8, but is expected to preserve the integrity of the reading-frame (PMID: 23114594). For these reasons, this variant has been classified as Pathogenic.

Blueprint Genetics
Classification: Pathogenic for DGAT1-related disorders. Last evaluated: 2024-11-22. Review status: criteria provided, single submitter. Criteria: ACMG Guidelines, 2015. Collection method: clinical testing. Allele origin: germline. Affected: yes. Observed: 5 variant alleles.

Aleixo Muise Laboratory, Hospital For Sick Children
Classification: Pathogenic for Congenital diarrhea 7 with exudative enteropathy. Last evaluated: 2024-07-05. Review status: criteria provided, single submitter. Criteria: ACMG Guidelines, 2015. Collection method: research. Allele origin: germline. Affected: yes. Observed: 3 variant alleles.
Comment: PVS1;PM2;PM3;PP3;PP4

GeneDx
Classification: Pathogenic. Last evaluated: 2024-06-20. Review status: criteria provided, single submitter. Criteria: GeneDx Variant Classification Process June 2021. Collection method: clinical testing. Allele origin: germline. Affected: yes.
Comment: Published functional studies demonstrate a damaging effect; specifically, cDNA analysis revealed exon 8 skipping leading to the deletion of 25 amino-acids from the MBOAT domain, and molecular analysis of the mutant allele indicated a total loss of function, with no detectable DGAT1 protein or activity produced (PMID: 23114594); Canonical splice site variant predicted to result in an in-frame loss of the adjacent exon in a gene for which loss of function is a known mechanism of disease; This variant is associated with the following publications: (PMID: 26883093, 23114594, 30095213, 31618753, 31589614)

Laboratory for Molecular Medicine, Mass General Brigham Personalized Medicine
Classification: Pathogenic for Congenital diarrhea 7 with exudative enteropathy. Last evaluated: 2022-01-20. Review status: criteria provided, single submitter. Criteria: ACMG Guidelines, 2015. Collection method: clinical testing. Allele origin: germline. Inheritance: Autosomal recessive inheritance.
Comment: The c.751+2T>C variant in DGAT1 has been reported in 6 individuals with congenital diarrheal disorders (CDD), all of whom carried the variant in the homozygous or compound heterozygous state, and segregated with disease in 3 affected siblings from 3 families (Haas 2012 PMID: 23114594, Yourshaw 2014, Niu 2015, Stephen 2016 PMID: 26883093, Schlegel 2018 PMID: 30095213, Ziats 2020 PMID: 31618753). It was also identified in 0.48% (19/3924) of Ashkenazi Jewish chromosomes by the gnomAD; however, this frequency is consistent with the fact that it is likely to be a founder variant in the Ashkenazi Jewish population. This variant has also been reported in ClinVar (Variation ID 139512). The c.751+2T>C variant occurs in the invariant region (+/- 1,2) of the splice consensus sequence and has been demonstrated to cause altered splicing leading to an abnormal or absent protein (Haas 2012 PMID: 23114594, ). In vitro functional studies provide some evidence that the altered splicing may impact protein stability (Haas 2012 PMID: 23114594, Schlegel 2018 PMID: 30095213). In summary, this variant meets criteria to be classified as pathogenic for autosomal recessive CDD. ACMG/AMP criteria applied: PVS1_Strong, PM3_Strong, PP1_Strong, PS3_Moderate.

Revvity Omics, Revvity
Classification: Pathogenic for Congenital diarrhea 7 with exudative enteropathy. Last evaluated: 2021-11-24. Review status: criteria provided, single submitter. Criteria: ACMG Guidelines, 2015. Collection method: clinical testing. Allele origin: germline.

Elsea Laboratory, Baylor College of Medicine
Classification: Pathogenic for Congenital diarrhea 7 with exudative enteropathy. Last evaluated: 2020-04-01. Review status: criteria provided, single submitter. Criteria: ACMG Guidelines, 2015. Collection method: clinical testing. Allele origin: maternal. Affected: yes.

Fulgent Genetics
Classification: Pathogenic for Congenital diarrhea 7 with exudative enteropathy. Last evaluated: 2018-10-31. Review status: criteria provided, single submitter. Criteria: ACMG Guidelines, 2015. Collection method: clinical testing. Allele origin: unknown.

Ambry Genetics
Classification: Pathogenic for Inborn genetic diseases. Last evaluated: 2018-02-02. Review status: criteria provided, single submitter. Criteria: Ambry exome assertion method (8-5-2015). Collection method: clinical testing. Allele origin: germline. Affected: yes. Observed: 1 variant allele.

Baylor Genetics
Classification: Pathogenic for Congenital diarrhea 7 with exudative enteropathy. Last evaluated: 2017-09-01. Review status: criteria provided, single submitter. Criteria: ACMG Guidelines, 2015. Collection method: clinical testing. Allele origin: germline. Inheritance: Autosomal recessive inheritance. Affected: yes.
Comment: This mutation has been previously reported as disease-causing and was found in two affected individuals in our laboratory, including a homozygote and a compound hetrozygote. Both inidividuals had FTT, diarrhea, significant fat malabsorption. Heterozygotes are expected to be asymptomatic carriers.

PreventionGenetics, part of Exact Sciences
Classification: Pathogenic for DGAT1-related condition. Last evaluated: 2024-03-20. Review status: no assertion criteria provided. Collection method: clinical testing. Allele origin: germline. Not counted in ClinVar's aggregate classification.
Comment: The DGAT1 c.751+2T>C variant is predicted to disrupt the GT donor site and interfere with normal splicing. In the literature, this variant is also reported as 145541756 A>G, g.13827T>C, or rs148665132. This variant has been reported in the homozygous state in multiple individuals with congenital chronic diarrhea (Haas et al. 2012. PubMed ID: 23114594; Family 2, Stephen et al. 2016. PubMed ID: 26883093; Schlegel et al. 2018. PubMed ID: 30095213). This variant has also been shown to segregate with disease in the above reported families. Functional analyses have shown that this variant causes skipping of exon 8 and abolishes DGAT1 protein activity (Reported as 145541756 A>G, Haas et al. 2012. PubMed ID: 23114594). This variant is reported in 0.48% of alleles in individuals of Ashkenazi Jewish descent in gnomAD and is reported as pathogenic in ClinVar. Variants that disrupt the consensus splice donor site in DGAT1 are expected to be pathogenic. This variant is interpreted as pathogenic.

OMIM
Classification: Pathogenic for DIARRHEA 7, PROTEIN-LOSING ENTEROPATHY TYPE. Last evaluated: 2012-12-03. Review status: no assertion criteria provided. Collection method: literature only. Allele origin: germline. Not counted in ClinVar's aggregate classification.

Dr. Peter K. Rogan Lab, Western University
No classification provided (evidence only). Condition: Clear cell carcinoma of kidney. Review status: no classification provided. Collection method: in vitro. Allele origin: not applicable. Functional consequence: skipped exon, retained intron. Not counted in ClinVar's aggregate classification.

Dr. Peter K. Rogan Lab, Western University
No classification provided (evidence only). Condition: Colon adenocarcinoma. Review status: no classification provided. Collection method: in vitro. Allele origin: not applicable. Functional consequence: skipped exon, retained intron. Not counted in ClinVar's aggregate classification.

Literature cited by the submitters: PubMed 23114594 (cited by 5 submitters); PubMed 26883093 (cited by 4 submitters); PubMed 30095213 (cited by Laboratory for Molecular Medicine, Mass General Brigham Personalized Medicine); PubMed 31589614 (cited by Laboratory for Molecular Medicine, Mass General Brigham Personalized Medicine); PubMed 31618753 (cited by Laboratory for Molecular Medicine, Mass General Brigham Personalized Medicine); PubMed 25326635 (cited by Baylor Genetics).

NM_012079.6(DGAT1):c.751+2T>C

Gene: DGAT1 (diacylglycerol O-acyltransferase 1; minus strand). Cytogenetic location: 8q24.3.
Variant type: single nucleotide variant.
Coding change: c.751+2T>C on transcript NM_012079.6 (MANE Select); the canonical splice donor site of the intron after coding-DNA position 751, T replaced by C.
Molecular consequence: splice donor variant.
Genome position (GRCh38, 1-based): chr8:144,318,093, A>G on the plus strand (T>C on the coding strand, the complement: DGAT1 is on the minus strand). VCF-style: chr8-144318093-A-G. GRCh37 (hg19) VCF-style: chr8-145541756-A-G.
Other names: IVS8, T-C, +2.
Identifiers: ClinVar variation 139512 (VCV000139512.27), dbSNP rs148665132, ClinGen allele CA163225.
Genomic context (GRCh38, chr8:144,318,093, plus strand): 5'-GGGGTTGGTACCAGAACAGGCCCAGCCTGTCCCCCGCACCTCAGGCCCACAGAGGTCCTC[A>G]CCGCGGTAGGTCAGATTGTCCGGGTAGCTCACGGTGTGCGGGGCAGCAGCACTGCTGGCC-3'